The following is an entry in ClinVar:

ClinVar aggregate classification (germline): Pathogenic. Review status: criteria provided, multiple submitters, no conflicts (2 of 4 stars). 3 submissions from 3 submitters: Pathogenic (3). Last evaluated 2025-06-02.

Conditions:
Lennox-Gastaut syndrome. Also called: Epileptic encephalopathy Lennox-Gastaut type. Identifiers: Orphanet 2382, MedGen C0238111, MONDO:0016532.
GABRG2-related disorder. Also called: GABRG2-related condition.
EPILEPSY, CHILDHOOD ABSENCE, SUSCEPTIBILITY TO, 2 (ECA2). Identifiers: Orphanet 64280, MedGen C1843244, OMIM 607681.
Febrile seizures, familial, 8 (FEB8). Also called: CONVULSIONS, FAMILIAL FEBRILE, 8. Identifiers: Orphanet 36387, MedGen C1969810, MONDO:0011891, OMIM 607681.

Allele frequency attached by ClinVar (database versions not stated): gnomAD exomes below 0.00001; gnomAD 0.00003.
gnomAD v4.1: 2 of 1,613,780 alleles (0.00012%); highest among the groups gnomAD compares: Admixed American, 0.0017%; no homozygotes.

Submissions (3):

Labcorp Genetics (formerly Invitae), Labcorp
Classification: Pathogenic for Febrile seizures, familial, 8; EPILEPSY, CHILDHOOD ABSENCE, SUSCEPTIBILITY TO, 2. Last evaluated: 2025-06-02. Review status: criteria provided, single submitter. Criteria: Invitae Variant Classification Sherloc (09022015). Collection method: clinical testing. Allele origin: germline.
Comment: This sequence change creates a premature translational stop signal (p.Arg136*) in the GABRG2 gene. It is expected to result in an absent or disrupted protein product. Loss-of-function variants in GABRG2 are known to be pathogenic (PMID: 22539854, 22750526, 24407264). This variant is present in population databases (rs796052504, gnomAD 0.003%). This premature translational stop signal has been observed in individual(s) with febrile seizures (PMID: 24407264, 27066572). It has also been observed to segregate with disease in related individuals. ClinVar contains an entry for this variant (Variation ID: 205540). For these reasons, this variant has been classified as Pathogenic.

Blueprint Genetics
Classification: Pathogenic for GABRG2-related disorders. Last evaluated: 2021-07-29. Review status: criteria provided, single submitter. Criteria: ACMG Guidelines, 2015. Collection method: clinical testing. Allele origin: germline. Affected: yes. Observed: 1 variant allele.

Clinical Molecular Genetics Laboratory, Johns Hopkins All Children's Hospital
Classification: Pathogenic for Lennox-Gastaut syndrome. Last evaluated: 2019-07-31. Review status: criteria provided, single submitter. Criteria: ACMG Guidelines, 2015. Collection method: clinical testing. Allele origin: germline. Inheritance: Autosomal dominant inheritance. Affected: yes. Observed: 1 heterozygote.

Literature cited by the submitters: PubMed 22539854 (cited by Labcorp Genetics (formerly Invitae), Labcorp); PubMed 22750526 (cited by Labcorp Genetics (formerly Invitae), Labcorp); PubMed 24407264 (cited by Labcorp Genetics (formerly Invitae), Labcorp); PubMed 27066572 (cited by Labcorp Genetics (formerly Invitae), Labcorp).

NM_198904.4(GABRG2):c.406C>T (p.Arg136Ter)

Gene: GABRG2 (gamma-aminobutyric acid type A receptor subunit gamma2; plus strand). Cytogenetic location: 5q34.
Variant type: single nucleotide variant.
Coding change: c.406C>T on transcript NM_198904.4 (MANE Select); coding-DNA position 406, C replaced by T.
Protein change: p.Arg136Ter; replaces arginine 136 with a stop codon.
Molecular consequence: nonsense. On other transcripts: 5 prime UTR variant (2).
Genome position (GRCh38, 1-based): chr5:162,097,716, C>T. VCF-style: chr5-162097716-C-T. GRCh37 (hg19) VCF-style: chr5-161524722-C-T.
Other names: c.397C>T, p.Arg133Ter (NM_001375339.1); c.406C>T, p.Arg136Ter (NM_001375340.1, NM_001375341.1, NM_001375342.1 and 4 more transcripts); c.340C>T, p.Arg114Ter (NM_001375345.1, NM_001375346.1); c.319C>T, p.Arg107Ter (NM_001375347.1); c.-15C>T (NM_001375348.1, NM_001375350.1); c.121C>T, p.Arg41Ter (NM_001375349.1); short protein forms R136*, R107*, R114*, R133*, R41*.
Identifiers: ClinVar variation 205540 (VCV000205540.13), dbSNP rs796052504, ClinGen allele CA314709.